The following is an entry in ClinVar:

NM_145725.3(TRAF3):c.391G>C (p.Gly131Arg)

Gene: TRAF3 (TNF receptor associated factor 3; plus strand). Cytogenetic location: 14q32.32.
Variant type: single nucleotide variant.
Coding change: c.391G>C on transcript NM_145725.3 (MANE Select); coding-DNA position 391, G replaced by C.
Protein change: p.Gly131Arg; replaces glycine 131 with arginine.
Molecular consequence: missense variant.
Genome position (GRCh38, 1-based): chr14:102,875,717, G>C. VCF-style: chr14-102875717-G-C. GRCh37 (hg19) VCF-style: chr14-103342054-G-C.
Other names: c.391G>C, p.Gly131Arg (NM_001199427.2, NM_001385142.1, NM_001385143.1 and 2 more transcripts); short protein forms G131R.
Identifiers: ClinVar variation 2717637 (VCV002717637.3), dbSNP rs1247291316, ClinGen allele CA391070395.

ClinVar aggregate classification (germline): Uncertain significance (1 of 4 stars; one submission).

Conditions:
Immunodeficiency 132A. Also called: Herpes simplex encephalitis, susceptibility to, 3. Identifiers: Orphanet 1930, MedGen C3553868, MONDO:0013920, OMIM 614849.

Allele frequency attached by ClinVar (database versions not stated): gnomAD 0.00001.
gnomAD v4.1: 4 of 1,613,686 alleles (0.00025%); highest among the groups gnomAD compares: Non-Finnish European, 0.00034%; no homozygotes.

Submission:

Labcorp Genetics (formerly Invitae), Labcorp
Classification: Uncertain significance for Immunodeficiency 132A. Last evaluated: 2023-06-16. Review status: criteria provided, single submitter. Criteria: Invitae Variant Classification Sherloc (09022015). Collection method: clinical testing. Allele origin: germline.
Comment: An algorithm developed to predict the effect of missense changes on protein structure and function (PolyPhen-2) suggests that this variant is likely to be tolerated. This variant has not been reported in the literature in individuals affected with TRAF3-related conditions. This variant is not present in population databases (gnomAD no frequency). This sequence change replaces glycine, which is neutral and non-polar, with arginine, which is basic and polar, at codon 131 of the TRAF3 protein (p.Gly131Arg). In summary, the available evidence is currently insufficient to determine the role of this variant in disease. Therefore, it has been classified as a Variant of Uncertain Significance.